The following is an entry in ClinVar:

NM_015378.4(VPS13D):c.10618C>T (p.Arg3540Trp)

Gene: VPS13D (vacuolar protein sorting 13 homolog D; plus strand). Cytogenetic location: 1p36.22.
Variant type: single nucleotide variant.
Coding change: c.10618C>T on transcript NM_015378.4 (MANE Select); coding-DNA position 10618, C replaced by T.
Protein change: p.Arg3540Trp; replaces arginine 3540 with tryptophan.
Molecular consequence: missense variant.
Genome position (GRCh38, 1-based): chr1:12,369,512, C>T. VCF-style: chr1-12369512-C-T. GRCh37 (hg19) VCF-style: chr1-12429567-C-T.
Other names: c.10543C>T, p.Arg3515Trp (NM_018156.4); short protein forms R3515W, R3540W.
Identifiers: ClinVar variation 1480321 (VCV001480321.8), dbSNP rs746917164, ClinGen allele CA603751.
Genomic context (GRCh38, chr1:12,369,512, plus strand): 5'-CTGCCATCACTCTAGGTCCCGGTTGTCTTTACTCAGCATGGCGTAGCTGAACCCAGGCTC[C>T]GGACTGAAGTGAAGCCCATGACTTCATTGGATTATGCCTGGGACGAACCCACCTTGCCAC-3'
Protein context (NP_056193.2, residues 3530-3550): TQHGVAEPRL[Arg3540Trp]TEVKPMTSLD

ClinVar aggregate classification (germline): Uncertain significance (1 of 4 stars; one submission).

Allele frequency attached by ClinVar (database versions not stated): ExAC 0.00003; gnomAD exomes 0.00004 and 0.00005; TOPMed 0.00005; gnomAD 0.00006.
gnomAD v4.1: 79 of 1,614,018 alleles (0.0049%); highest among the groups gnomAD compares: African/African-American, 0.012%; 1 homozygote.

Submission:

Labcorp Genetics (formerly Invitae), Labcorp
Classification: Uncertain significance. Last evaluated: 2021-07-26. Review status: criteria provided, single submitter. Criteria: Invitae Variant Classification Sherloc (09022015). Collection method: clinical testing. Allele origin: germline.
Comment: This sequence change replaces arginine with tryptophan at codon 3540 of the VPS13D protein (p.Arg3540Trp). The arginine residue is moderately conserved and there is a moderate physicochemical difference between arginine and tryptophan. In summary, the available evidence is currently insufficient to determine the role of this variant in disease. Therefore, it has been classified as a Variant of Uncertain Significance. Algorithms developed to predict the effect of missense changes on protein structure and function are either unavailable or do not agree on the potential impact of this missense change (SIFT: "Not Available"; PolyPhen-2: "Probably Damaging"; Align-GVGD: "Not Available"). This variant has not been reported in the literature in individuals affected with VPS13D-related conditions. This variant is present in population databases (rs746917164, ExAC 0.009%).